The following is an entry in ClinVar:

ClinVar aggregate classification (germline): Likely pathogenic (1 of 4 stars; one submission).

Conditions:
Hypertriglyceridemia 1. Also called: Hypertriglyceridemia, familial. Identifiers: MedGen C5444012, MONDO:0007788, OMIM 145750.

Submission:

The International Centre for Genetic Engineering and Biotechnology China Regional Research Centre
Classification: Likely pathogenic for Hypertriglyceridemia 1. Last evaluated: 2024-12-05. Review status: criteria provided, single submitter. Criteria: ACMG Guidelines, 2015. Collection method: clinical testing. Allele origin: germline. Inheritance: Autosomal dominant inheritance. Affected: yes. Observed: 6 variant alleles, 6 heterozygotes.
Comment: This variant was absent from large population studies such as gnomAD, and rated as "Deleterious", "Probably damaging" and "Disease-causing" by SIFT, PolyPhen-2 and MutationTaster respectively. Besides, the arginin in the 223th position of APOA5 was found highly conserved across 30 mammals via multiple sequence alignment in our own research. In summary, the p.R223C variant meets our criteria to be classified as "likely pathogenic".

Literature cited by the submitters: PubMed 38331899.

NM_001371904.1(APOA5):c.667C>T (p.Arg223Cys)

Gene: APOA5 (apolipoprotein A5; minus strand). Cytogenetic location: 11q23.3.
Variant type: single nucleotide variant.
Coding change: c.667C>T on transcript NM_001371904.1 (MANE Select); coding-DNA position 667, C replaced by T.
Protein change: p.Arg223Cys; replaces arginine 223 with cysteine.
Molecular consequence: missense variant.
Genome position (GRCh38, 1-based): chr11:116,790,562, G>A on the plus strand (C>T on the coding strand, the complement: APOA5 is on the minus strand). VCF-style: chr11-116790562-G-A. GRCh37 (hg19) VCF-style: chr11-116661278-G-A.
Other names: p.R223C; c.667C>T, p.Arg223Cys (NM_001166598.2, NM_052968.5); short protein forms R223C.
Identifiers: ClinVar variation 4075749 (VCV004075749.1).
Genomic context (GRCh38, chr11:116,790,562, plus strand): 5'-GCAGGGCCTTGGCCTTGAGCGTGAGCTTCCGGGAGAGCACCTGCACGCAGCGACTGAGGC[G>A]CGCGGGGCTGGCGGGGGCGTGCGGAGCCACACTGCGGTGCAGCTCCTGCACGTGGCGCCC-3'
Protein context (NP_001358833.1, residues 213-233): VAPHAPASPA[Arg223Cys]LSRCVQVLSR